The following is an entry in ClinVar:

NM_013254.4(TBK1):c.1159C>T (p.Leu387=)

Gene: TBK1 (TANK binding kinase 1; plus strand). Cytogenetic location: 12q14.2.
Variant type: single nucleotide variant.
Coding change: c.1159C>T on transcript NM_013254.4 (MANE Select); coding-DNA position 1159, C replaced by T.
Protein change: p.Leu387=; no amino-acid change (leucine 387 retained).
Molecular consequence: synonymous variant.
Genome position (GRCh38, 1-based): chr12:64,484,469, C>T. VCF-style: chr12-64484469-C-T. GRCh37 (hg19) VCF-style: chr12-64878249-C-T.
Identifiers: ClinVar variation 3353844 (VCV003353844.1).

ClinVar aggregate classification (germline): Likely benign (0 of 4 stars; one submission).

Conditions:
TBK1-related disorder. Also called: TBK1-related condition.

Submission:

PreventionGenetics, part of Exact Sciences
Classification: Likely benign for TBK1-related condition. Last evaluated: 2022-06-23. Review status: no assertion criteria provided. Collection method: clinical testing. Allele origin: germline.
Comment: This variant is classified as likely benign based on ACMG/AMP sequence variant interpretation guidelines (Richards et al. 2015 PMID: 25741868, with internal and published modifications).